The following is an entry in ClinVar:

NM_005591.4(MRE11):c.143A>G (p.Gln48Arg)

Gene: MRE11 (MRE11 double strand break repair nuclease; minus strand). Cytogenetic location: 11q21.
Variant type: single nucleotide variant.
Coding change: c.143A>G on transcript NM_005591.4 (MANE Select); coding-DNA position 143, A replaced by G.
Protein change: p.Gln48Arg; replaces glutamine 48 with arginine.
Molecular consequence: missense variant.
Genome position (GRCh38, 1-based): chr11:94,490,843, T>C on the plus strand (A>G on the coding strand, the complement: MRE11 is on the minus strand). VCF-style: chr11-94490843-T-C. GRCh37 (hg19) VCF-style: chr11-94224009-T-C.
Other names: c.143A>G, p.Gln48Arg (NM_001330347.2, NM_005590.4); short protein forms Q48R.
Identifiers: ClinVar variation 3397827 (VCV003397827.1).

ClinVar aggregate classification (germline): Uncertain significance (1 of 4 stars; one submission).

Conditions:
Hereditary cancer-predisposing syndrome. Also called: Hereditary Cancer Syndrome; Tumor predisposition; Hereditary neoplastic syndrome; Neoplastic Syndromes, Hereditary. Identifiers: Orphanet 140162, MedGen C0027672, MeSH D009386, MONDO:0015356.

gnomAD v4.1: 1 of 1,613,722 alleles (0.000062%); highest among the groups gnomAD compares: Non-Finnish European, 0.000085%; no homozygotes.

Submission:

Ambry Genetics
Classification: Uncertain significance for Hereditary cancer-predisposing syndrome. Last evaluated: 2024-11-08. Review status: criteria provided, single submitter. Criteria: Ambry Variant Classification Scheme 2023. Collection method: clinical testing. Allele origin: germline.
Comment: The p.Q48R variant (also known as c.143A>G), located in coding exon 2 of the MRE11A gene, results from an A to G substitution at nucleotide position 143. The glutamine at codon 48 is replaced by arginine, an amino acid with highly similar properties. This amino acid position is conserved. In addition, this alteration is predicted to be tolerated by in silico analysis. Based on the available evidence, the clinical significance of this variant remains unclear.